The following is an entry in ClinVar:

ClinVar aggregate classification (germline): Uncertain significance (1 of 4 stars; one submission).

Conditions:
Seckel syndrome 5 (SCKL5). Identifiers: Orphanet 808, MedGen C3151187, MONDO:0013443, OMIM 613823.
Microcephaly 9, primary, autosomal recessive. Identifiers: Orphanet 2512, MedGen C3553886, MONDO:0013923, OMIM 614852.

gnomAD v4.1: 4 of 1,613,278 alleles (0.00025%); highest among the groups gnomAD compares: South Asian, 0.0022%; no homozygotes.

Submission:

Juno Genomics, Hangzhou Juno Genomics, Inc
Classification: Uncertain significance for Microcephaly 9, primary, autosomal recessive; Seckel syndrome 5. Review status: criteria provided, single submitter. Criteria: ACMG Guidelines, 2015. Collection method: clinical testing. Allele origin: germline.
Comment: Absent from controls (or at extremely low frequency if recessive) in Genome Aggregation Database.;Multiple lines of computational evidence support a deleterious effect on the gene or gene product.

NM_001194998.2(CEP152):c.192-15T>C

Gene: CEP152 (centrosomal protein 152; minus strand). Cytogenetic location: 15q21.1.
Variant type: single nucleotide variant.
Coding change: c.192-15T>C on transcript NM_001194998.2 (MANE Select); 15 bases into the intron before coding-DNA position 192, T replaced by C.
Molecular consequence: intron variant.
Genome position (GRCh38, 1-based): chr15:48,797,745, A>G on the plus strand (T>C on the coding strand, the complement: CEP152 is on the minus strand). VCF-style: chr15-48797745-A-G. GRCh37 (hg19) VCF-style: chr15-49089942-A-G.
Other names: c.192-15T>C (NM_014985.4).
Identifiers: ClinVar variation 5019315 (VCV005019315.2).